The following is an entry in ClinVar:

NM_018706.7(DHTKD1):c.1249C>T (p.Arg417Cys)

Gene: DHTKD1 (dehydrogenase E1 and transketolase domain containing 1; plus strand). Cytogenetic location: 10p14.
Variant type: single nucleotide variant.
Coding change: c.1249C>T on transcript NM_018706.7 (MANE Select); coding-DNA position 1249, C replaced by T.
Protein change: p.Arg417Cys; replaces arginine 417 with cysteine.
Molecular consequence: missense variant.
Genome position (GRCh38, 1-based): chr10:12,094,162, C>T. VCF-style: chr10-12094162-C-T. GRCh37 (hg19) VCF-style: chr10-12136161-C-T.
Other names: short protein forms R417C.
Identifiers: ClinVar variation 2971451 (VCV002971451.3), dbSNP rs759869851, ClinGen allele CA5407793.

ClinVar aggregate classification (germline): Uncertain significance (1 of 4 stars; one submission).

Conditions:
2-aminoadipic 2-oxoadipic aciduria (AAKAD). Also called: Aminoadipic aciduria; ALPHA-AMINOADIPIC AND ALPHA-KETOADIPIC ACIDURIA. Identifiers: Orphanet 79154, MedGen C1859817, MONDO:0008774, OMIM 204750.

Allele frequency attached by ClinVar (database versions not stated): gnomAD 0.00001; gnomAD exomes 0.00001; TOPMed 0.00001; ExAC 0.00002.
gnomAD v4.1: 14 of 1,613,930 alleles (0.00087%); highest among the groups gnomAD compares: East Asian, 0.0045%; no homozygotes.

Submission:

Labcorp Genetics (formerly Invitae), Labcorp
Classification: Uncertain significance for 2-aminoadipic 2-oxoadipic aciduria. Last evaluated: 2024-08-20. Review status: criteria provided, single submitter. Criteria: Invitae Variant Classification Sherloc (09022015). Collection method: clinical testing. Allele origin: germline.
Comment: This sequence change replaces arginine, which is basic and polar, with cysteine, which is neutral and slightly polar, at codon 417 of the DHTKD1 protein (p.Arg417Cys). This variant is present in population databases (rs759869851, gnomAD 0.006%). This variant has not been reported in the literature in individuals affected with DHTKD1-related conditions. Invitae Evidence Modeling of protein sequence and biophysical properties (such as structural, functional, and spatial information, amino acid conservation, physicochemical variation, residue mobility, and thermodynamic stability) indicates that this missense variant is not expected to disrupt DHTKD1 protein function with a negative predictive value of 80%. In summary, the available evidence is currently insufficient to determine the role of this variant in disease. Therefore, it has been classified as a Variant of Uncertain Significance.